The following is an entry in ClinVar:

ClinVar aggregate classification (germline): Uncertain significance (1 of 4 stars; one submission).

Conditions:
MOGS-congenital disorder of glycosylation. Also called: GLUCOSIDASE I DEFICIENCY; MOGS-CDG; CDG IIb; CDG 2B. Identifiers: Orphanet 79330, MedGen C1853736, MONDO:0011629, OMIM 606056.

Allele frequency attached by ClinVar (database versions not stated): gnomAD exomes below 0.00001 and 0.00001.
gnomAD v4.1: 1 of 1,555,876 alleles (0.000064%); highest among the groups gnomAD compares: East Asian, 0.0024%; no homozygotes.

Submission:

Labcorp Genetics (formerly Invitae), Labcorp
Classification: Uncertain significance for MOGS-congenital disorder of glycosylation. Last evaluated: 2019-03-15. Review status: criteria provided, single submitter. Criteria: Invitae Variant Classification Sherloc (09022015). Collection method: clinical testing. Allele origin: germline.
Comment: In summary, the available evidence is currently insufficient to determine the role of this variant in disease. Therefore, it has been classified as a Variant of Uncertain Significance. Algorithms developed to predict the effect of missense changes on protein structure and function (SIFT, PolyPhen-2, Align-GVGD) all suggest that this variant is likely to be tolerated, but these predictions have not been confirmed by published functional studies and their clinical significance is uncertain. This variant has not been reported in the literature in individuals with MOGS-related conditions. The frequency data for this variant in the population databases is considered unreliable, as metrics indicate insufficient coverage at this position in the ExAC database. This sequence change replaces methionine with valine at codon 57 of the MOGS protein (p.Met57Val). The methionine residue is weakly conserved and there is a small physicochemical difference between methionine and valine.

NM_006302.3(MOGS):c.169A>G (p.Met57Val)

Genes: MOGS (mannosyl-oligosaccharide glucosidase; minus strand), LOC129934128 (ATAC-STARR-seq lymphoblastoid silent region 11664; plus strand). Cytogenetic location: 2p13.1.
Variant type: single nucleotide variant.
Coding change: c.169A>G on transcript NM_006302.3 (MANE Select); coding-DNA position 169, A replaced by G.
Protein change: p.Met57Val; replaces methionine 57 with valine.
Molecular consequence: missense variant. On other transcripts: intron variant (1).
Genome position (GRCh38, 1-based): chr2:74,465,079, T>C on the plus strand (A>G on the coding strand, the complement: MOGS is on the minus strand). VCF-style: chr2-74465079-T-C. GRCh37 (hg19) VCF-style: chr2-74692206-T-C.
Other names: c.-58-92A>G (NM_001146158.2); short protein forms M57V.
Identifiers: ClinVar variation 853629 (VCV000853629.10), dbSNP rs1244494488, ClinGen allele CA347383190.
Genomic context (GRCh38, chr2:74,465,079, plus strand): 5'-CGGAGTGCAGCGTGACCGCCCGCCGCGCACGGTACCACGCCAGCACCCAGCGCCCCGACA[T>C]ACCCAGGGCCAAAGACAGGACCACGACGGCCAGAGCCACTCCTCCAGCCGTGCTACGCGG-3'
Protein context (NP_006293.2, residues 47-67): AVVVLSLALG[Met57Val]SGRWVLAWYR